The following is an entry in ClinVar:

NM_001142864.4(PIEZO1):c.1329C>A (p.Thr443=)

Genes: HSALR1 (HSP90AB1 associated lncRNA 1; plus strand), PIEZO1 (piezo type mechanosensitive ion channel component 1 (Er blood group); minus strand). Cytogenetic location: 16q24.3.
Variant type: single nucleotide variant.
Coding change: c.1329C>A on transcript NM_001142864.4 (MANE Select); coding-DNA position 1329, C replaced by A.
Protein change: p.Thr443=; no amino-acid change (threonine 443 retained).
Molecular consequence: synonymous variant.
Genome position (GRCh38, 1-based): chr16:88,736,376, G>T on the plus strand (C>A on the coding strand, the complement: PIEZO1 is on the minus strand). VCF-style: chr16-88736376-G-T. GRCh37 (hg19) VCF-style: chr16-88802784-G-T.
Other names: p.Thr443=.
Identifiers: ClinVar variation 4684153 (VCV004684153.2).

ClinVar aggregate classification (germline): Likely benign. Review status: criteria provided, multiple submitters, no conflicts (2 of 4 stars). 2 submissions from 2 submitters: Likely benign (2). Last evaluated 2025-10-26.

Submissions (2):

Labcorp Genetics (formerly Invitae), Labcorp
Classification: Likely benign. Last evaluated: 2025-10-26. Review status: criteria provided, single submitter. Criteria: Invitae Variant Classification Sherloc (09022015). Collection method: clinical testing. Allele origin: germline.

Mayo Clinic Laboratories, Mayo Clinic
Classification: Likely benign. Last evaluated: 2025-09-10. Review status: criteria provided, single submitter. Criteria: ACMG Guidelines, 2015. Collection method: clinical testing. Allele origin: germline. Observed: 1 variant allele.
Comment: BP4, BP7, PM2_supporting